The following is an entry in ClinVar:

NM_000228.3(LAMB3):c.2296_2308del (p.Pro765_Lys766insTer)

Gene: LAMB3 (laminin subunit beta 3; minus strand). Cytogenetic location: 1q32.2.
Variant type: Deletion.
Coding change: c.2296_2308del on transcript NM_000228.3 (MANE Select); coding-DNA positions 2296 to 2308, 13 bases deleted (AAGCTTGTGGCCC).
Protein change: p.Pro765_Lys766insTer.
Molecular consequence: nonsense.
Genome position (GRCh38, 1-based): chr1:209,623,555-209,623,567, GGGCCACAAGCTT deleted on the plus strand (AAGCTTGTGGCCC on the coding strand, the reverse complement: LAMB3 is on the minus strand); deleting any 13 consecutive bases within chr1:209,623,555-209,623,570 gives the same sequence; the c. name uses the placement nearest the transcript's 3' end. VCF-style (leftmost placement, unchanged base first): chr1-209623554-AGGGCCACAAGCTT-A. GRCh37 (hg19) VCF-style: chr1-209796899-AGGGCCACAAGCTT-A.
Other names: c.2296_2308del, p.Pro765_Lys766insTer (NM_001017402.2, NM_001127641.1).
Identifiers: ClinVar variation 2815782 (VCV002815782.3), dbSNP rs2464796651, ClinGen allele CA2739275578.

ClinVar aggregate classification (germline): Pathogenic (1 of 4 stars; one submission).

Submission:

Labcorp Genetics (formerly Invitae), Labcorp
Classification: Pathogenic. Last evaluated: 2025-06-03. Review status: criteria provided, single submitter. Criteria: Invitae Variant Classification Sherloc (09022015). Collection method: clinical testing. Allele origin: germline.
Comment: This sequence change creates a premature translational stop signal (p.Lys766*) in the LAMB3 gene. It is expected to result in an absent or disrupted protein product. Loss-of-function variants in LAMB3 are known to be pathogenic (PMID: 11023379, 16473856). This variant is not present in population databases (gnomAD no frequency). This variant has not been reported in the literature in individuals affected with LAMB3-related conditions. ClinVar contains an entry for this variant (Variation ID: 2815782). For these reasons, this variant has been classified as Pathogenic.

Literature cited by the submitters: PubMed 11023379; PubMed 16473856.